The following is an entry in ClinVar:

ClinVar aggregate classification (germline): Uncertain significance (1 of 4 stars; one submission).

Conditions:
Malignant hyperthermia, susceptibility to, 1 (MHS1). Also called: Anesthesia related hyperthermia; Malignant hyperpyrexia; Fulminating hyperpyrexia; Pharmacogenic myopathy; RYR1-Related Malignant Hyperthermia Susceptibility; Malignant hyperthermia suceptibility 1. Identifiers: Orphanet 423, MedGen C2930980, MONDO:0007783, OMIM 145600.

Submission:

All of Us Research Program, National Institutes of Health
Classification: Uncertain significance for Malignant hyperthermia, susceptibility to, 1. Last evaluated: 2023-05-31. Review status: criteria provided, single submitter. Criteria: ACMG Guidelines, 2015. Collection method: clinical testing. Allele origin: germline. Inheritance: Autosomal dominant inheritance. Observed: 1 variant allele, 1 heterozygote.
Comment: This study involves interpretation of variants in research participants for the purpose of population health screening. Participant phenotype was not available at the time of variant classification. Additional details can be found in publication PMID: 35346344, PMCID: PMC8962531

NM_000540.3(RYR1):c.3565C>A (p.Pro1189Thr)

Gene: RYR1 (ryanodine receptor 1; plus strand). Cytogenetic location: 19q13.2.
Variant type: single nucleotide variant.
Coding change: c.3565C>A on transcript NM_000540.3 (MANE Select); coding-DNA position 3565, C replaced by A.
Protein change: p.Pro1189Thr; replaces proline 1189 with threonine.
Molecular consequence: missense variant.
Genome position (GRCh38, 1-based): chr19:38,469,313, C>A. VCF-style: chr19-38469313-C-A. GRCh37 (hg19) VCF-style: chr19-38959953-C-A.
Other names: c.3565C>A, p.Pro1189Thr (NM_001042723.2); short protein forms P1189T.
Identifiers: ClinVar variation 3071398 (VCV003071398.1), dbSNP rs2514116276, ClinGen allele CA405638984.